The following is an entry in ClinVar:

NM_001145358.2(SIN3A):c.538A>G (p.Met180Val)

Gene: SIN3A (SIN3 transcription regulator family member A; minus strand). Cytogenetic location: 15q24.2.
Variant type: single nucleotide variant.
Coding change: c.538A>G on transcript NM_001145358.2 (MANE Select); coding-DNA position 538, A replaced by G.
Protein change: p.Met180Val; replaces methionine 180 with valine.
Molecular consequence: missense variant.
Genome position (GRCh38, 1-based): chr15:75,412,981, T>C on the plus strand (A>G on the coding strand, the complement: SIN3A is on the minus strand). VCF-style: chr15-75412981-T-C. GRCh37 (hg19) VCF-style: chr15-75705322-T-C.
Other names: c.538A>G, p.Met180Val (NM_001145357.2, NM_015477.3); short protein forms M180V.
Identifiers: ClinVar variation 2052198 (VCV002052198.4), dbSNP rs771970141, ClinGen allele CA7667864.

ClinVar aggregate classification (germline): Uncertain significance (1 of 4 stars; one submission).

Allele frequency attached by ClinVar (database versions not stated): ExAC 0.00001; gnomAD 0.00001; TOPMed 0.00001; gnomAD exomes 0.00002.

Submission:

Labcorp Genetics (formerly Invitae), Labcorp
Classification: Uncertain significance. Last evaluated: 2025-01-19. Review status: criteria provided, single submitter. Criteria: Invitae Variant Classification Sherloc (09022015). Collection method: clinical testing. Allele origin: germline.
Comment: This sequence change replaces methionine, which is neutral and non-polar, with valine, which is neutral and non-polar, at codon 180 of the SIN3A protein (p.Met180Val). This variant is present in population databases (rs771970141, gnomAD 0.004%). This variant has not been reported in the literature in individuals affected with SIN3A-related conditions. ClinVar contains an entry for this variant (Variation ID: 2052198). Invitae Evidence Modeling of protein sequence and biophysical properties (such as structural, functional, and spatial information, amino acid conservation, physicochemical variation, residue mobility, and thermodynamic stability) indicates that this missense variant is not expected to disrupt SIN3A protein function with a negative predictive value of 80%. In summary, the available evidence is currently insufficient to determine the role of this variant in disease. Therefore, it has been classified as a Variant of Uncertain Significance.